The following is an entry in ClinVar:

NM_000388.4(CASR):c.186-1G>A

Gene: CASR (calcium sensing receptor; plus strand). Cytogenetic location: 3q21.1.
Variant type: single nucleotide variant.
Coding change: c.186-1G>A on transcript NM_000388.4 (MANE Select); the canonical splice acceptor site of the intron before coding-DNA position 186, G replaced by A.
Molecular consequence: splice acceptor variant.
Genome position (GRCh38, 1-based): chr3:122,257,080, G>A. VCF-style: chr3-122257080-G-A. GRCh37 (hg19) VCF-style: chr3-121975927-G-A.
Other names: c.186-1G>A (NM_001178065.2).
Identifiers: ClinVar variation 2133259 (VCV002133259.4), dbSNP rs797044441, ClinGen allele CA354362332.

ClinVar aggregate classification (germline): Pathogenic (1 of 4 stars; one submission).

Conditions:
Familial hypocalciuric hypercalcemia (FHH). Also called: Familial benign hypercalcemia. Identifiers: Orphanet 405, MedGen C1809471, MONDO:0018458.
Autosomal dominant hypocalcemia 1 (HYPOC1). Also called: HYPOCALCEMIA, FAMILIAL. Identifiers: MedGen C3715128, MONDO:0011013, OMIM 601198.

Submission:

Labcorp Genetics (formerly Invitae), Labcorp
Classification: Pathogenic for Familial hypocalciuric hypercalcemia; Autosomal dominant hypocalcemia 1. Last evaluated: 2023-11-24. Review status: criteria provided, single submitter. Criteria: Invitae Variant Classification Sherloc (09022015). Collection method: clinical testing. Allele origin: germline.
Comment: This sequence change affects an acceptor splice site in intron 2 of the CASR gene. It is expected to disrupt RNA splicing. Variants that disrupt the donor or acceptor splice site typically lead to a loss of protein function (PMID: 16199547), and loss-of-function variants in CASR are known to be pathogenic (PMID: 11807402, 14985373, 22422767). This variant is not present in population databases (gnomAD no frequency). Disruption of this splice site has been observed in individual(s) with CASR-related conditions (PMID: 11668634). ClinVar contains an entry for this variant (Variation ID: 2133259). Studies have shown that disruption of this splice site alters mRNA splicing and is expected to lead to the loss of protein expression (PMID: 11668634). For these reasons, this variant has been classified as Pathogenic.

Literature cited by the submitters: PubMed 16199547; PubMed 11807402; PubMed 14985373; PubMed 22422767; PubMed 11668634.